The following is an entry in ClinVar:

NM_012281.3(KCND2):c.1345C>G (p.Arg449Gly)

Gene: KCND2 (potassium voltage-gated channel subfamily D member 2; plus strand). Cytogenetic location: 7q31.31.
Variant type: single nucleotide variant.
Coding change: c.1345C>G on transcript NM_012281.3 (MANE Select); coding-DNA position 1345, C replaced by G.
Protein change: p.Arg449Gly; replaces arginine 449 with glycine.
Molecular consequence: missense variant.
Genome position (GRCh38, 1-based): chr7:120,741,600, C>G. VCF-style: chr7-120741600-C-G. GRCh37 (hg19) VCF-style: chr7-120381654-C-G.
Other names: short protein forms R449G.
Identifiers: ClinVar variation 1719350 (VCV001719350.5), dbSNP rs561063026, ClinGen allele CA369134490.

ClinVar aggregate classification (germline): Uncertain significance (1 of 4 stars; one submission).

Conditions:
Early Myoclonic Encephalopathy. Identifiers: MedGen C0270855.

Allele frequency attached by ClinVar (database versions not stated): gnomAD 0.00001.
gnomAD v4.1: 8 of 1,612,672 alleles (0.0005%); highest among the groups gnomAD compares: Non-Finnish European, 0.00068%; no homozygotes.

Submission:

Labcorp Genetics (formerly Invitae), Labcorp
Classification: Uncertain significance for Early Myoclonic Encephalopathy. Last evaluated: 2023-02-20. Review status: criteria provided, single submitter. Criteria: Invitae Variant Classification Sherloc (09022015). Collection method: clinical testing. Allele origin: germline.
Comment: This sequence change replaces arginine, which is basic and polar, with glycine, which is neutral and non-polar, at codon 449 of the KCND2 protein (p.Arg449Gly). In summary, the available evidence is currently insufficient to determine the role of this variant in disease. Therefore, it has been classified as a Variant of Uncertain Significance. Advanced modeling of protein sequence and biophysical properties (such as structural, functional, and spatial information, amino acid conservation, physicochemical variation, residue mobility, and thermodynamic stability) performed at Invitae indicates that this missense variant is not expected to disrupt KCND2 protein function. ClinVar contains an entry for this variant (Variation ID: 1719350). This variant has not been reported in the literature in individuals affected with KCND2-related conditions. This variant is present in population databases (no rsID available, gnomAD 0.007%).